The following is an entry in ClinVar:

NM_001830.4(CLCN4):c.353C>G (p.Ser118Cys)

Gene: CLCN4 (Cl-/H+ antiporter 4; plus strand). Cytogenetic location: Xp22.2.
Variant type: single nucleotide variant.
Coding change: c.353C>G on transcript NM_001830.4 (MANE Select); coding-DNA position 353, C replaced by G.
Protein change: p.Ser118Cys; replaces serine 118 with cysteine.
Molecular consequence: missense variant.
Genome position (GRCh38, 1-based): chrX:10,195,019, C>G. VCF-style: chrX-10195019-C-G. GRCh37 (hg19) VCF-style: chrX-10163059-C-G.
Other names: c.71C>G, p.Ser24Cys (NM_001256944.2); short protein forms S118C, S24C.
Identifiers: ClinVar variation 3901902 (VCV003901902.1).

ClinVar aggregate classification (germline): Uncertain significance (1 of 4 stars; one submission).

Conditions:
Intellectual disability, X-linked 49 (MRXSRC). Also called: CLCN4-related X-linked intellectual disability syndrome; RAYNAUD-CLAES SYNDROME; MENTAL RETARDATION, X-LINKED 15; MRX49; CLCN4-Related Neurodevelopmental Disorder. Identifiers: Orphanet 485350, Orphanet 777, MedGen C0796221, MONDO:0010250, OMIM 300114.

Submission:

Laboratorio de Genetica e Diagnostico Molecular, Hospital Israelita Albert Einstein
Classification: Uncertain significance for Intellectual disability, X-linked 49. Last evaluated: 2024-10-04. Review status: criteria provided, single submitter. Criteria: ACMG Guidelines, 2015. Collection method: clinical testing. Allele origin: germline. Affected: yes.
Comment: ACMG classification criteria: PM2 supporting, PP3 supporting